The following is an entry in ClinVar:

NM_007118.4(TRIO):c.1756G>A (p.Gly586Arg)

Gene: TRIO (trio Rho guanine nucleotide exchange factor; plus strand). Cytogenetic location: 5p15.2.
Variant type: single nucleotide variant.
Coding change: c.1756G>A on transcript NM_007118.4 (MANE Select); coding-DNA position 1756, G replaced by A.
Protein change: p.Gly586Arg; replaces glycine 586 with arginine.
Molecular consequence: missense variant. On other transcripts: non-coding transcript variant (1).
Genome position (GRCh38, 1-based): chr5:14,330,802, G>A. VCF-style: chr5-14330802-G-A. GRCh37 (hg19) VCF-style: chr5-14330911-G-A.
Other names: short protein forms G586R.
Identifiers: ClinVar variation 1213112 (VCV001213112.4), dbSNP rs1740838436, ClinGen allele CA359234096.

ClinVar aggregate classification (germline): Uncertain significance (1 of 4 stars; one submission).

Submission:

GeneDx
Classification: Uncertain significance. Last evaluated: 2026-09-03. Review status: criteria provided, single submitter. Criteria: GeneDx Variant Classification Process June 2021. Collection method: clinical testing. Allele origin: germline.
Comment: Not observed at significant frequency in large population cohorts (gnomAD); In silico analysis supports that this missense variant has a deleterious effect on protein structure/function; Has not been previously published as pathogenic or benign to our knowledge